The following is an entry in ClinVar:

NM_000138.5(FBN1):c.5815G>A (p.Gly1939Arg)

Gene: FBN1 (fibrillin 1; minus strand). Cytogenetic location: 15q21.1.
Variant type: single nucleotide variant.
Coding change: c.5815G>A on transcript NM_000138.5 (MANE Select); coding-DNA position 5815, G replaced by A.
Protein change: p.Gly1939Arg; replaces glycine 1939 with arginine.
Molecular consequence: missense variant.
Genome position (GRCh38, 1-based): chr15:48,445,478, C>T on the plus strand (G>A on the coding strand, the complement: FBN1 is on the minus strand). VCF-style: chr15-48445478-C-T. GRCh37 (hg19) VCF-style: chr15-48737675-C-T.
Other names: c.5815G>A, p.Gly1939Arg (NM_001406716.1); short protein forms G1939R.
Identifiers: ClinVar variation 4793699 (VCV004793699.1).

ClinVar aggregate classification (germline): Uncertain significance (1 of 4 stars; one submission).

Conditions:
Marfan syndrome (MFS). Also called: FBN1-Related Marfan Syndrome; MARFAN SYNDROME, TYPE I; Marfan syndrome type 1; Marfan's syndrome; Marfan syndrome, classic. Identifiers: Orphanet 284963, Orphanet 558, MedGen C0024796, MONDO:0007947, OMIM 154700.
Familial thoracic aortic aneurysm and aortic dissection (TAAD). Also called: Thoracic aortic aneurysms and dissections. Identifiers: Orphanet 91387, MedGen C4707243, MONDO:0019625.

gnomAD v4.1: 1 of 1,612,746 alleles (0.000062%); highest among the groups gnomAD compares: Non-Finnish European, 0.000085%; no homozygotes.

Submission:

Labcorp Genetics (formerly Invitae), Labcorp
Classification: Uncertain significance for Marfan syndrome; Familial thoracic aortic aneurysm and aortic dissection. Last evaluated: 2025-12-15. Review status: criteria provided, single submitter. Criteria: Invitae Variant Classification Sherloc (09022015). Collection method: clinical testing. Allele origin: germline.
Comment: This sequence change replaces glycine, which is neutral and non-polar, with arginine, which is basic and polar, at codon 1939 of the FBN1 protein (p.Gly1939Arg). This variant is not present in population databases (gnomAD no frequency). This variant has not been reported in the literature in individuals affected with FBN1-related conditions. Invitae Evidence Modeling of protein sequence and biophysical properties (such as structural, functional, and spatial information, amino acid conservation, physicochemical variation, residue mobility, and thermodynamic stability) indicates that this missense variant is expected to disrupt FBN1 protein function with a positive predictive value of 95%. In summary, the available evidence is currently insufficient to determine the role of this variant in disease. Therefore, it has been classified as a Variant of Uncertain Significance.